The following is an entry in ClinVar:

ClinVar aggregate classification (germline): Pathogenic (1 of 4 stars; one submission).

Conditions:
Tatton-Brown-Rahman overgrowth syndrome. Also called: Tall stature-intellectual disability-facial dysmorphism syndrome; Tatton-Brown-Rahman syndrome. Identifiers: Orphanet 404443, MedGen C4014545, MONDO:0014382, OMIM 615879.

Submission:

Genetic Laboratory, Department of Morphology and Genetics, Universidade Federal de Sao Paulo
Classification: Pathogenic for Tatton-Brown-Rahman overgrowth syndrome. Last evaluated: 2025-11-17. Review status: criteria provided, single submitter. Criteria: ACMG Guidelines, 2015. Collection method: clinical testing. Allele origin: de novo. Inheritance: Autosomal dominant inheritance. Affected: yes. Observed: 1 variant allele, 1 heterozygote.
Comment: The DNMT3A variant NM_022552.5:c.1123del (p.Val375Trpfs*32) is absent from population databases and is predicted to cause a frameshift resulting in a premature stop codon and a truncated protein. Segregation analysis by Sanger sequencing indicates a de novo event (without molecular confirmation of paternity). Based on the available evidence, this variant is classified as pathogenic and is associated with Tatton-Brown-Rahman syndrome (OMIM #615879).

NM_022552.5(DNMT3A):c.1123del

Gene: DNMT3A (DNA methyltransferase 3 alpha; minus strand). Cytogenetic location: 2p23.3.
Variant type: Deletion.
Coding change: c.1123del on transcript NM_022552.5 (MANE Select); coding-DNA position 1123, one base deleted (G; older notation c.1123delG).
Molecular consequence: splice acceptor variant.
Genome position (GRCh38, 1-based): chr2:25,246,776, C deleted on the plus strand (G on the coding strand, the reverse complement: DNMT3A is on the minus strand); the first of 2 consecutive C bases (chr2:25,246,776-25,246,777); deleting either gives the same sequence. VCF-style (leftmost placement, unchanged base first): chr2-25246775-AC-A. GRCh37 (hg19) VCF-style: chr2-25469644-AC-A.
Identifiers: ClinVar variation 4876807 (VCV004876807.1).